The following is an entry in ClinVar:

ClinVar aggregate classification (germline): Uncertain significance (1 of 4 stars; one submission).

Submission:

Labcorp Genetics (formerly Invitae), Labcorp
Classification: Uncertain significance. Last evaluated: 2024-10-29. Review status: criteria provided, single submitter. Criteria: Invitae Variant Classification Sherloc (09022015). Collection method: clinical testing. Allele origin: germline.
Comment: This sequence change replaces lysine, which is basic and polar, with asparagine, which is neutral and polar, at codon 217 of the CD40 protein (p.Lys217Asn). This variant is not present in population databases (gnomAD no frequency). This variant has not been reported in the literature in individuals affected with CD40-related conditions. Invitae Evidence Modeling of protein sequence and biophysical properties (such as structural, functional, and spatial information, amino acid conservation, physicochemical variation, residue mobility, and thermodynamic stability) indicates that this missense variant is not expected to disrupt CD40 protein function with a negative predictive value of 80%. In summary, the available evidence is currently insufficient to determine the role of this variant in disease. Therefore, it has been classified as a Variant of Uncertain Significance.

NM_001250.6(CD40):c.651G>T (p.Lys217Asn)

Gene: CD40 (CD40 molecule; plus strand). Cytogenetic location: 20q13.12.
Variant type: single nucleotide variant.
Coding change: c.651G>T on transcript NM_001250.6 (MANE Select); coding-DNA position 651, G replaced by T.
Protein change: p.Lys217Asn; replaces lysine 217 with asparagine.
Molecular consequence: missense variant. On other transcripts: non-coding transcript variant (2), splice acceptor variant (1).
Genome position (GRCh38, 1-based): chr20:46,128,334, G>T. VCF-style: chr20-46128334-G-T. GRCh37 (hg19) VCF-style: chr20-44756973-G-T.
Other names: c.691G>T, p.Gly231Cys (NM_001302753.2); c.663G>T, p.Lys221Asn (NM_001322421.2); c.495G>T, p.Lys165Asn (NM_001322422.2); c.507G>T, p.Lys169Asn (NM_001424339.1); c.589G>T, p.Gly197Cys (NM_152854.4); c.647-1G>T (NM_001362758.2); short protein forms G197C, G231C, K165N, K169N, K217N, K221N.
Identifiers: ClinVar variation 3603498 (VCV003603498.2).